The following is an entry in ClinVar:

NM_031935.3(HMCN1):c.15019G>A (p.Asp5007Asn)

Gene: HMCN1 (hemicentin 1; plus strand). Cytogenetic location: 1q31.1.
Variant type: single nucleotide variant.
Coding change: c.15019G>A on transcript NM_031935.3 (MANE Select); coding-DNA position 15019, G replaced by A.
Protein change: p.Asp5007Asn; replaces aspartic acid 5007 with asparagine.
Molecular consequence: missense variant.
Genome position (GRCh38, 1-based): chr1:186,153,750, G>A. VCF-style: chr1-186153750-G-A. GRCh37 (hg19) VCF-style: chr1-186122882-G-A.
Other names: short protein forms D5007N.
Identifiers: ClinVar variation 1919350 (VCV001919350.5), dbSNP rs765496210, ClinGen allele CA1295142.

ClinVar aggregate classification (germline): Uncertain significance (1 of 4 stars; one submission).

Allele frequency attached by ClinVar (database versions not stated): ExAC 0.00001; gnomAD exomes 0.00001; TOPMed 0.00001; gnomAD 0.00002.
gnomAD v4.1: 12 of 1,613,074 alleles (0.00074%); highest among the groups gnomAD compares: Non-Finnish European, 0.001%; no homozygotes.

Submission:

Labcorp Genetics (formerly Invitae), Labcorp
Classification: Uncertain significance. Last evaluated: 2022-01-18. Review status: criteria provided, single submitter. Criteria: Invitae Variant Classification Sherloc (09022015). Collection method: clinical testing. Allele origin: germline.
Comment: Algorithms developed to predict the effect of missense changes on protein structure and function are either unavailable or do not agree on the potential impact of this missense change (SIFT: "Deleterious"; PolyPhen-2: "Probably Damaging"; Align-GVGD: "Class C15"). Algorithms developed to predict the effect of sequence changes on RNA splicing suggest that this variant may disrupt the consensus splice site. This variant has not been reported in the literature in individuals affected with HMCN1-related conditions. In summary, the available evidence is currently insufficient to determine the role of this variant in disease. Therefore, it has been classified as a Variant of Uncertain Significance. This sequence change replaces aspartic acid, which is acidic and polar, with asparagine, which is neutral and polar, at codon 5007 of the HMCN1 protein (p.Asp5007Asn). This variant is present in population databases (rs765496210, gnomAD 0.002%).